The following is an entry in ClinVar:

NM_001144958.2(CRACR2A):c.1118+160A>G

Gene: CRACR2A (calcium release activated channel regulator 2A; minus strand). Cytogenetic location: 12p13.32.
Variant type: single nucleotide variant.
Coding change: c.1118+160A>G on transcript NM_001144958.2 (MANE Select); 160 bases into the intron after coding-DNA position 1118, A replaced by G.
Molecular consequence: intron variant. On other transcripts: 3 prime UTR variant (1).
Genome position (GRCh38, 1-based): chr12:3,648,382, T>C on the plus strand (A>G on the coding strand, the complement: CRACR2A is on the minus strand). VCF-style: chr12-3648382-T-C. GRCh37 (hg19) VCF-style: chr12-3757548-T-C.
Other names: c.*90A>G (NM_032680.4).
Identifiers: ClinVar variation 2687954 (VCV002687954.2), dbSNP rs887304, ClinGen allele CA13704862.

ClinVar aggregate classification (germline): Benign (1 of 4 stars; one submission).

Allele frequency attached by ClinVar (database versions not stated): gnomAD exomes 0.72481; gnomAD 0.77176; TOPMed 0.79017; 1000 Genomes Project 0.85942; 1000 Genomes Project 30x 0.86134.
gnomAD v4.1: 1,112,095 of 1,522,590 alleles (73%); highest among the groups gnomAD compares: East Asian, 99%; 410,592 homozygotes.

Submission:

Unidad de Genómica Garrahan, Hospital de Pediatría Garrahan
Classification: Benign. Last evaluated: 2024-01-24. Review status: criteria provided, single submitter. Criteria: ACMG Guidelines, 2015. Collection method: clinical testing. Allele origin: germline. Affected: no. Observed: 83 variant alleles.
Comment: This variant is classified as Benign based on local population frequency. This variant was detected in 87% of patients studied by a panel of primary immunodeficiencies. Number of patients: 83. Only high quality variants are reported.